The following is an entry in ClinVar:

ClinVar aggregate classification (germline): Uncertain significance (1 of 4 stars; one submission).

Conditions:
Inborn genetic diseases. Identifiers: MedGen C0950123, MeSH D030342.

Allele frequency attached by ClinVar (database versions not stated): TOPMed below 0.00001.

Submission:

Ambry Genetics
Classification: Uncertain significance for Inborn genetic diseases. Last evaluated: 2021-12-22. Review status: criteria provided, single submitter. Criteria: Ambry Variant Classification Scheme 2023. Collection method: clinical testing. Allele origin: germline.
Comment: The p.S384N variant (also known as c.1151G>A), located in coding exon 9 of the BUB1B gene, results from a G to A substitution at nucleotide position 1151. The serine at codon 384 is replaced by asparagine, an amino acid with highly similar properties. This amino acid position is conserved. In addition, this alteration is predicted to be tolerated by in silico analysis. Since supporting evidence is limited at this time, the clinical significance of this alteration remains unclear.

NM_001211.6(BUB1B):c.1151G>A (p.Ser384Asn)

Gene: BUB1B (BUB1 mitotic checkpoint serine/threonine kinase B; plus strand). Cytogenetic location: 15q15.1.
Variant type: single nucleotide variant.
Coding change: c.1151G>A on transcript NM_001211.6 (MANE Select); coding-DNA position 1151, G replaced by A.
Protein change: p.Ser384Asn; replaces serine 384 with asparagine.
Molecular consequence: missense variant.
Genome position (GRCh38, 1-based): chr15:40,196,637, G>A. VCF-style: chr15-40196637-G-A. GRCh37 (hg19) VCF-style: chr15-40488838-G-A.
Other names: short protein forms S384N.
Identifiers: ClinVar variation 1734181 (VCV001734181.2), dbSNP rs2037501230, ClinGen allele CA391687193.
Genomic context (GRCh38, chr15:40,196,637, plus strand): 5'-ACATCCTAAGCACCAGAAAGCCTGGAAAGGAAGAAGGAGATCCTCTACAAAGGGTTCAGA[G>A]CCATCAGCAAGCGTCTGAGGAGAAGAAAGAGAAGATGATGTATTGTAAGGAGAAGATTTA-3'
Protein context (NP_001202.5, residues 374-394): EEGDPLQRVQ[Ser384Asn]HQQASEEKKE